The following is an entry in ClinVar:

GRCh37/hg19 2q13(chr2:110880893-110962659)

Gene: NPHP1 (nephrocystin 1; minus strand). Cytogenetic location: 2q13.
Variant type: copy number loss.
Identifiers: ClinVar variation 1179212 (VCV001179212.2).

ClinVar aggregate classification (germline): Pathogenic (0 of 4 stars; one submission).

Conditions:
Joubert syndrome with renal defect. Also called: JOUBERT SYNDROME 4. Identifiers: Orphanet 220497, MedGen C1846790, MONDO:0012308, OMIM 609583.
Nephronophthisis 1 (NPHP1). Also called: Nephronophthisis familial juvenile. Identifiers: Orphanet 655, Orphanet 93592, MedGen C1855681, MONDO:0009728, OMIM 256100.
Senior-Loken syndrome 1 (SLSN1). Also called: JUVENILE NEPHRONOPHTHISIS WITH LEBER AMAUROSIS. Identifiers: Orphanet 3156, MedGen C4551559, MONDO:0009962, OMIM 266900.

Submission:

Fulgent Genetics
Classification: Pathogenic for Nephronophthisis 1; Senior-Loken syndrome 1; Joubert syndrome with renal defect. Review status: no assertion criteria provided. Collection method: clinical testing. Allele origin: unknown.
Comment: This variant has been detected in individual(s) who were sent for testing of Renasight - kidney gene panel.